The following is an entry in ClinVar:

ClinVar aggregate classification (germline): Uncertain significance. Review status: criteria provided, single submitter (1 of 4 stars). 2 submissions from 2 submitters: Uncertain significance (1). 1 of the submissions does not count toward it. Last evaluated 2022-05-19.

Conditions:
Neuronal ceroid lipofuscinosis. Also called: Neuronal Ceroid Lipofuscinoses. Identifiers: Orphanet 216, Orphanet 79263, MedGen C0027877, MONDO:0016295. Disease mechanism: loss of function.
Neuronal ceroid lipofuscinosis 8 (CLN8). Also called: CLN8-Related Neuronal Ceroid-Lipofuscinosis. Identifiers: Orphanet 168491, Orphanet 228354, Orphanet 79264, MedGen C1838570, MONDO:0010830, OMIM 600143.

Allele frequency attached by ClinVar (database versions not stated): ExAC 0.00001; gnomAD exomes 0.00001 and 0.00002.
gnomAD v4.1: 6 of 1,614,216 alleles (0.00037%); highest among the groups gnomAD compares: Admixed American, 0.01%; no homozygotes.

Submissions (2):

Labcorp Genetics (formerly Invitae), Labcorp
Classification: Uncertain significance for Neuronal ceroid lipofuscinosis. Last evaluated: 2022-05-19. Review status: criteria provided, single submitter. Criteria: Invitae Variant Classification Sherloc (09022015). Collection method: clinical testing. Allele origin: germline.
Comment: This sequence change replaces glutamic acid, which is acidic and polar, with glutamine, which is neutral and polar, at codon 275 of the CLN8 protein (p.Glu275Gln). This variant is present in population databases (rs749774943, gnomAD 0.01%). This variant has not been reported in the literature in individuals affected with CLN8-related conditions. ClinVar contains an entry for this variant (Variation ID: 457981). Advanced modeling of protein sequence and biophysical properties (such as structural, functional, and spatial information, amino acid conservation, physicochemical variation, residue mobility, and thermodynamic stability) performed at Invitae indicates that this missense variant is not expected to disrupt CLN8 protein function. In summary, the available evidence is currently insufficient to determine the role of this variant in disease. Therefore, it has been classified as a Variant of Uncertain Significance.

Natera, Inc.
Classification: Uncertain significance for Neuronal ceroid lipofuscinosis 8. Last evaluated: 2020-09-16. Review status: no assertion criteria provided. Collection method: clinical testing. Allele origin: germline. Not counted in ClinVar's aggregate classification.

NM_018941.4(CLN8):c.823G>C (p.Glu275Gln)

Gene: CLN8 (CLN8 transmembrane ER and ERGIC protein; plus strand). Cytogenetic location: 8p23.3.
Variant type: single nucleotide variant.
Coding change: c.823G>C on transcript NM_018941.4 (MANE Select); coding-DNA position 823, G replaced by C.
Protein change: p.Glu275Gln; replaces glutamic acid 275 with glutamine.
Molecular consequence: missense variant.
Genome position (GRCh38, 1-based): chr8:1,780,529, G>C. VCF-style: chr8-1780529-G-C. GRCh37 (hg19) VCF-style: chr8-1728695-G-C.
Other names: short protein forms E275Q.
Identifiers: ClinVar variation 457981 (VCV000457981.5), dbSNP rs749774943, ClinGen allele CA4599362.